The following is an entry in ClinVar:

NM_002693.3(POLG):c.2526C>T (p.Pro842=)

Gene: POLG (DNA polymerase gamma, catalytic subunit; minus strand). Cytogenetic location: 15q26.1.
Variant type: single nucleotide variant.
Coding change: c.2526C>T on transcript NM_002693.3 (MANE Select); coding-DNA position 2526, C replaced by T.
Protein change: p.Pro842=; no amino-acid change (proline 842 retained).
Molecular consequence: synonymous variant.
Genome position (GRCh38, 1-based): chr15:89,321,808, G>A on the plus strand (C>T on the coding strand, the complement: POLG is on the minus strand). VCF-style: chr15-89321808-G-A. GRCh37 (hg19) VCF-style: chr15-89865039-G-A.
Other names: c.2526C>T, p.Pro842= (NM_001126131.2).
Identifiers: ClinVar variation 619368 (VCV000619368.12), dbSNP rs758903771, ClinGen allele CA7724434.

ClinVar aggregate classification (germline): Likely benign. Review status: criteria provided, multiple submitters, no conflicts (2 of 4 stars). 2 submissions from 2 submitters: Likely benign (2). Last evaluated 2025-09-29.

Conditions:
Progressive sclerosing poliodystrophy (MTDPS4A). Also called: Alpers-Huttenlocher Syndrome (AHS); Alpers Syndrome; ALPERS PROGRESSIVE INFANTILE POLIODYSTROPHY; Mitochondrial DNA depletion syndrome 4A (Alpers type); ALPERS DIFFUSE DEGENERATION OF CEREBRAL GRAY MATTER WITH HEPATIC CIRRHOSIS; Alpers-Huttenlocher Syndrome. Identifiers: Orphanet 726, MedGen C0205710, MONDO:0008758, OMIM 203700.

Allele frequency attached by ClinVar (database versions not stated): ExAC 0.00001; TOPMed 0.00001; gnomAD exomes 0.00003.
gnomAD v4.1: 49 of 1,614,046 alleles (0.003%); highest among the groups gnomAD compares: Non-Finnish European, 0.004%; no homozygotes.

Submissions (2):

Labcorp Genetics (formerly Invitae), Labcorp
Classification: Likely benign for Progressive sclerosing poliodystrophy. Last evaluated: 2025-09-29. Review status: criteria provided, single submitter. Criteria: Invitae Variant Classification Sherloc (09022015). Collection method: clinical testing. Allele origin: germline.

Wong Mito Lab, Molecular and Human Genetics, Baylor College of Medicine
Classification: Likely benign for Progressive sclerosing poliodystrophy. Last evaluated: 2018-10-01. Review status: criteria provided, single submitter. Criteria: ACMG Guidelines, 2015. Collection method: clinical testing. Allele origin: germline.
Comment: The NM_002693.2:c.2526C>T (NP_002684.1:p.Pro842=) [GRCH38: NC_000015.10:g.89321808G>A] variant in POLG gene is interpretated to be a Likely Benign based on ACMG guidelines (PMID: 25741868). This variant meets the following evidence codes reported in the ACMG-guideline. BP4:Computational evidence/predictors indicate no impact on the POLG structure, function, or protein-protein interaction. BP7:The variant is silent with non predicted splice impact. Based on the evidence criteria codes applied, the variant is suggested to be Likely Benign.